The following is an entry in ClinVar:

NM_000540.3(RYR1):c.14970G>T (p.Met4990Ile)

Gene: RYR1 (ryanodine receptor 1; plus strand). Cytogenetic location: 19q13.2.
Variant type: single nucleotide variant.
Coding change: c.14970G>T on transcript NM_000540.3 (MANE Select); coding-DNA position 14970, G replaced by T.
Protein change: p.Met4990Ile; replaces methionine 4990 with isoleucine.
Molecular consequence: missense variant.
Genome position (GRCh38, 1-based): chr19:38,586,525, G>T. VCF-style: chr19-38586525-G-T. GRCh37 (hg19) VCF-style: chr19-39077165-G-T.
Other names: c.14955G>T, p.Met4985Ile (NM_001042723.2); short protein forms M4985I, M4990I.
Identifiers: ClinVar variation 1393901 (VCV001393901.6), dbSNP rs2145919457, ClinGen allele CA405693576.

ClinVar aggregate classification (germline): Uncertain significance (1 of 4 stars; one submission).

Conditions:
RYR1-related disorder. Also called: RYR1-related condition; RYR1-related disorders. Identifiers: MedGen CN239331.

Submission:

Labcorp Genetics (formerly Invitae), Labcorp
Classification: Uncertain significance for RYR1-related disorder. Last evaluated: 2021-11-18. Review status: criteria provided, single submitter. Criteria: Invitae Variant Classification Sherloc (09022015). Collection method: clinical testing. Allele origin: germline.
Comment: Algorithms developed to predict the effect of sequence changes on RNA splicing suggest that this variant may disrupt the consensus splice site. Algorithms developed to predict the effect of missense changes on protein structure and function are either unavailable or do not agree on the potential impact of this missense change (SIFT: "Deleterious"; PolyPhen-2: "Not Available"; Align-GVGD: "Class C0"). This variant has not been reported in the literature in individuals affected with RYR1-related conditions. This variant is not present in population databases (gnomAD no frequency). This sequence change replaces methionine, which is neutral and non-polar, with isoleucine, which is neutral and non-polar, at codon 4990 of the RYR1 protein (p.Met4990Ile). In summary, the available evidence is currently insufficient to determine the role of this variant in disease. Therefore, it has been classified as a Variant of Uncertain Significance.